The following is an entry in ClinVar:

ClinVar aggregate classification (germline): Uncertain significance (1 of 4 stars; one submission).

Submission:

Labcorp Genetics (formerly Invitae), Labcorp
Classification: Uncertain significance. Last evaluated: 2024-04-15. Review status: criteria provided, single submitter. Criteria: Invitae Variant Classification Sherloc (09022015). Collection method: clinical testing. Allele origin: germline.
Comment: This sequence change creates a premature translational stop signal (p.Arg303Glnfs*44) in the TGFB1 gene. While this is not anticipated to result in nonsense mediated decay, it is expected to disrupt the last 88 amino acid(s) of the TGFB1 protein. This variant is not present in population databases (gnomAD no frequency). This variant has not been reported in the literature in individuals affected with TGFB1-related conditions. Experimental studies and prediction algorithms are not available or were not evaluated, and the functional significance of this variant is currently unknown. In summary, the available evidence is currently insufficient to determine the role of this variant in disease. Therefore, it has been classified as a Variant of Uncertain Significance.

NM_000660.7(TGFB1):c.908_909del (p.Arg303fs)

Gene: TGFB1 (transforming growth factor beta 1; minus strand). Cytogenetic location: 19q13.2.
Variant type: Deletion.
Coding change: c.908_909del on transcript NM_000660.7 (MANE Select); coding-DNA positions 908 to 909, 2 bases deleted (GC; older notation c.908_909delGC).
Protein change: p.Arg303fs; shifts the reading frame from arginine 303.
Molecular consequence: frameshift variant.
Genome position (GRCh38, 1-based): chr19:41,332,233-41,332,234, GC deleted on the plus strand (GC on the coding strand, the reverse complement: TGFB1 is on the minus strand); deleting any 2 consecutive bases within chr19:41,332,233-41,332,235 gives the same sequence; the c. name uses the placement nearest the transcript's 3' end. VCF-style (leftmost placement, unchanged base first): chr19-41332232-TGC-T. GRCh37 (hg19) VCF-style: chr19-41838137-TGC-T.
Other names: short protein forms R303fs.
Identifiers: ClinVar variation 3649956 (VCV003649956.2).